The following is an entry in ClinVar:

ClinVar aggregate classification (germline): Likely pathogenic (1 of 4 stars; one submission).

Conditions:
Immunodeficiency, common variable, 2 (CVID2). Also called: ANTIBODY DEFICIENCY DUE TO TACI DEFECT; HYPOGAMMAGLOBULINEMIA DUE TO TACI DEFICIENCY. Identifiers: Orphanet 1572, MedGen C3150354, MONDO:0009413, OMIM 240500.
Immunoglobulin A deficiency 2 (IGAD2). Identifiers: MedGen C1836032, MONDO:0012291, OMIM 609529.

Submission:

Juno Genomics, Hangzhou Juno Genomics, Inc
Classification: Likely pathogenic for Immunodeficiency, common variable, 2; Immunoglobulin A deficiency 2. Review status: criteria provided, single submitter. Criteria: ACMG Guidelines, 2015. Collection method: clinical testing. Allele origin: germline.
Comment: Null variant in a gene where loss of function (LOF) is a known mechanism of disease.;Absent from controls (or at extremely low frequency if recessive) in Genome Aggregation Database.

NM_012452.3(TNFRSF13B):c.305del (p.Tyr102fs)

Gene: TNFRSF13B (TNF receptor superfamily member 13B; minus strand). Cytogenetic location: 17p11.2.
Variant type: Deletion.
Coding change: c.305del on transcript NM_012452.3 (MANE Select); coding-DNA position 305, one base deleted (A; older notation c.305delA).
Protein change: p.Tyr102fs; shifts the reading frame from tyrosine 102.
Molecular consequence: frameshift variant.
Genome position (GRCh38, 1-based): chr17:16,948,878, T deleted on the plus strand (A on the coding strand, the reverse complement: TNFRSF13B is on the minus strand). VCF-style (leftmost placement, unchanged base first): chr17-16948877-GT-G. GRCh37 (hg19) VCF-style: chr17-16852191-GT-G.
Other names: c.303_306delinsATC (NM_012452.3); short protein forms Y102fs.
Identifiers: ClinVar variation 5005699 (VCV005005699.2).